The following is an entry in ClinVar:

NM_000052.7(ATP7A):c.4005+5G>A

Gene: ATP7A (ATPase copper transporting alpha; plus strand). Cytogenetic location: Xq21.1.
Variant type: single nucleotide variant.
Coding change: c.4005+5G>A on transcript NM_000052.7 (MANE Select); 5 bases into the intron after coding-DNA position 4005, G replaced by A.
Molecular consequence: intron variant.
Genome position (GRCh38, 1-based): chrX:78,042,793, G>A. VCF-style: chrX-78042793-G-A. GRCh37 (hg19) VCF-style: chrX-77298291-G-A.
Other names: c.3771+5G>A (NM_001282224.2).
Identifiers: ClinVar variation 2571472 (VCV002571472.4), dbSNP rs2522419534, ClinGen allele CA2580612421.

ClinVar aggregate classification (germline): Likely pathogenic. Review status: criteria provided, single submitter (1 of 4 stars). 2 submissions from 2 submitters: Likely pathogenic (1). 1 of the submissions does not count toward it. Last evaluated 2023-10-03.

Conditions:
Menkes kinky-hair syndrome (MNK). Also called: Copper transport disease; Menkes Disease; Classic Menkes Disease. Identifiers: Orphanet 565, MedGen C0022716, MONDO:0010651, OMIM 309400.
Cutis laxa, X-linked (OHS). Also called: EDS IX; Occipital horn syndrome. Identifiers: Orphanet 198, MedGen C0268353, MONDO:0010572, OMIM 304150.
X-linked distal spinal muscular atrophy type 3. Also called: SPINAL MUSCULAR ATROPHY, DISTAL, X-LINKED RECESSIVE; NEURONOPATHY, DISTAL HEREDITARY MOTOR, X-LINKED; NEUROPATHY, DISTAL HEREDITARY MOTOR, X-LINKED; ATP7A-Related Distal Motor Neuropathy. Identifiers: Orphanet 139557, MedGen C1845359, MONDO:0010338, OMIM 300489.

Submissions (2):

Labcorp Genetics (formerly Invitae), Labcorp
Classification: Likely pathogenic for X-linked distal spinal muscular atrophy type 3; Cutis laxa, X-linked; Menkes kinky-hair syndrome. Last evaluated: 2023-10-03. Review status: criteria provided, single submitter. Criteria: Invitae Variant Classification Sherloc (09022015). Collection method: clinical testing. Allele origin: germline.
Comment: This sequence change falls in intron 20 of the ATP7A gene. It does not directly change the encoded amino acid sequence of the ATP7A protein. It affects a nucleotide within the consensus splice site. This variant is not present in population databases (gnomAD no frequency). This variant has been observed in individuals with Menkes disease (PMID: 21494555, 24919650; Invitae). ClinVar contains an entry for this variant (Variation ID: 2571472). Variants that disrupt the consensus splice site are a relatively common cause of aberrant splicing (PMID: 17576681, 9536098). Algorithms developed to predict the effect of sequence changes on RNA splicing suggest that this variant may disrupt the consensus splice site. In summary, the currently available evidence indicates that the variant is pathogenic, but additional data are needed to prove that conclusively. Therefore, this variant has been classified as Likely Pathogenic.

Inherited Neuropathy Consortium Ii, University Of Miami
Classification: Uncertain significance for Menkes kinky-hair syndrome. Last evaluated: 2016-01-06. Review status: no assertion criteria provided. Collection method: literature only. Allele origin: germline. Affected: yes. Not counted in ClinVar's aggregate classification.

Literature cited by the submitters: PubMed 21494555 (cited by Labcorp Genetics (formerly Invitae), Labcorp); PubMed 24919650 (cited by Labcorp Genetics (formerly Invitae), Labcorp); PubMed 17576681 (cited by Labcorp Genetics (formerly Invitae), Labcorp); PubMed 9536098 (cited by Labcorp Genetics (formerly Invitae), Labcorp); PubMed 15981243 (cited by Inherited Neuropathy Consortium Ii, University Of Miami).